The following is an entry in ClinVar:

NM_005450.6(NOG):c.680A>C (p.Glu227Ala)

Gene: NOG (noggin; plus strand). Cytogenetic location: 17q22.
Variant type: single nucleotide variant.
Coding change: c.680A>C on transcript NM_005450.6 (MANE Select); coding-DNA position 680, A replaced by C.
Protein change: p.Glu227Ala; replaces glutamic acid 227 with alanine.
Molecular consequence: missense variant.
Genome position (GRCh38, 1-based): chr17:56,594,903, A>C. VCF-style: chr17-56594903-A-C. GRCh37 (hg19) VCF-style: chr17-54672264-A-C.
Other names: short protein forms E227A.
Identifiers: ClinVar variation 2714019 (VCV002714019.3), dbSNP rs2545137980, ClinGen allele CA399966930.

ClinVar aggregate classification (germline): Uncertain significance (1 of 4 stars; one submission).

Submission:

Labcorp Genetics (formerly Invitae), Labcorp
Classification: Uncertain significance. Last evaluated: 2024-08-21. Review status: criteria provided, single submitter. Criteria: Invitae Variant Classification Sherloc (09022015). Collection method: clinical testing. Allele origin: germline.
Comment: This sequence change replaces glutamic acid, which is acidic and polar, with alanine, which is neutral and non-polar, at codon 227 of the NOG protein (p.Glu227Ala). This variant is not present in population databases (gnomAD no frequency). This variant has not been reported in the literature in individuals affected with NOG-related conditions. An algorithm developed to predict the effect of missense changes on protein structure and function (PolyPhen-2) suggests that this variant is likely to be disruptive. In summary, the available evidence is currently insufficient to determine the role of this variant in disease. Therefore, it has been classified as a Variant of Uncertain Significance.